The following is an entry in ClinVar:

NM_006904.7(PRKDC):c.12138C>T (p.Tyr4046=)

Gene: PRKDC (protein kinase, DNA-activated, catalytic subunit; minus strand). Cytogenetic location: 8q11.21.
Variant type: single nucleotide variant.
Coding change: c.12138C>T on transcript NM_006904.7 (MANE Select); coding-DNA position 12138, C replaced by T.
Protein change: p.Tyr4046=; no amino-acid change (tyrosine 4046 retained).
Molecular consequence: synonymous variant.
Genome position (GRCh38, 1-based): chr8:47,776,888, G>A on the plus strand (C>T on the coding strand, the complement: PRKDC is on the minus strand). VCF-style: chr8-47776888-G-A. GRCh37 (hg19) VCF-style: chr8-48689449-G-A.
Other names: c.12045C>T, p.Tyr4015= (NM_001081640.2).
Identifiers: ClinVar variation 542026 (VCV000542026.35), dbSNP rs56123237, ClinGen allele CA4738898.

ClinVar aggregate classification (germline): Benign/Likely benign. Review status: criteria provided, multiple submitters, no conflicts (2 of 4 stars). 3 submissions from 3 submitters: Benign (1); Likely benign (2). Last evaluated 2026-01-31.

Conditions:
Severe combined immunodeficiency due to DNA-PKcs deficiency. Also called: IMMUNODEFICIENCY 26 WITH NEUROLOGIC ABNORMALITIES; Immunodeficiency 26 with or without neurologic abnormalities. Identifiers: Orphanet 317425, MedGen C4014833, MONDO:0014423, OMIM 615966.

Allele frequency attached by ClinVar (database versions not stated): gnomAD exomes 0.00112 and 0.00130; ExAC 0.00124; 1000 Genomes Project 30x 0.00125; 1000 Genomes Project 0.00140; gnomAD 0.00190 and 0.00196; TOPMed 0.00215; ESP Exome Variant Server 0.00221.
gnomAD v4.1: 2,248 of 1,613,806 alleles (0.14%); highest among the groups gnomAD compares: African/African-American, 0.44%; 4 homozygotes.

Submissions (3):

Labcorp Genetics (formerly Invitae), Labcorp
Classification: Benign for Severe combined immunodeficiency due to DNA-PKcs deficiency. Last evaluated: 2026-01-31. Review status: criteria provided, single submitter. Criteria: Invitae Variant Classification Sherloc (09022015). Collection method: clinical testing. Allele origin: germline.

Blueprint Genetics
Classification: Likely benign. Last evaluated: 2024-11-13. Review status: criteria provided, single submitter. Criteria: ACMG Guidelines, 2015. Collection method: clinical testing. Allele origin: germline.

CeGaT Center for Human Genetics Tuebingen
Classification: Likely benign. Last evaluated: 2022-04-01. Review status: criteria provided, single submitter. Criteria: CeGaT Center For Human Genetics Tuebingen Variant Classification Criteria Version 2. Collection method: clinical testing. Allele origin: germline. Affected: yes. Observed: 1 variant allele.
Comment: PRKDC: BP4, BP7